The following is an entry in ClinVar:

ClinVar aggregate classification (germline): Uncertain significance (1 of 4 stars; one submission).

Allele frequency attached by ClinVar (database versions not stated): ExAC 0.00001; gnomAD exomes 0.00002.
gnomAD v4.1: 26 of 1,614,176 alleles (0.0016%); highest among the groups gnomAD compares: Non-Finnish European, 0.0014%; no homozygotes.

Submission:

Labcorp Genetics (formerly Invitae), Labcorp
Classification: Uncertain significance. Last evaluated: 2022-07-29. Review status: criteria provided, single submitter. Criteria: Invitae Variant Classification Sherloc (09022015). Collection method: clinical testing. Allele origin: germline.
Comment: In summary, the available evidence is currently insufficient to determine the role of this variant in disease. Therefore, it has been classified as a Variant of Uncertain Significance. This sequence change replaces serine, which is neutral and polar, with glycine, which is neutral and non-polar, at codon 1388 of the KMT2A protein (p.Ser1388Gly). This variant is present in population databases (rs782782893, gnomAD 0.02%). This variant has not been reported in the literature in individuals affected with KMT2A-related conditions. Algorithms developed to predict the effect of missense changes on protein structure and function (SIFT, PolyPhen-2, Align-GVGD) all suggest that this variant is likely to be tolerated.

NM_001197104.2(KMT2A):c.4162A>G (p.Ser1388Gly)

Gene: KMT2A (lysine methyltransferase 2A; plus strand). Cytogenetic location: 11q23.3.
Variant type: single nucleotide variant.
Coding change: c.4162A>G on transcript NM_001197104.2 (MANE Select); coding-DNA position 4162, A replaced by G.
Protein change: p.Ser1388Gly; replaces serine 1388 with glycine.
Molecular consequence: missense variant.
Genome position (GRCh38, 1-based): chr11:118,484,258, A>G. VCF-style: chr11-118484258-A-G. GRCh37 (hg19) VCF-style: chr11-118354973-A-G.
Other names: c.4261A>G, p.Ser1421Gly (NM_001412597.1); c.4162A>G, p.Ser1388Gly (NM_005933.4); short protein forms S1421G, S1388G.
Identifiers: ClinVar variation 1970479 (VCV001970479.5), dbSNP rs782782893, ClinGen allele CA6303800.